The following is an entry in ClinVar:

NM_016495.6(TBC1D7):c.500G>A (p.Arg167Gln)

Genes: TBC1D7 (TBC1 domain family member 7; minus strand), TBC1D7-LOC100130357 (TBC1D7-LOC100130357 readthrough; minus strand). Cytogenetic location: 6p24.1.
Variant type: single nucleotide variant.
Coding change: c.500G>A on transcript NM_016495.6 (MANE Select); coding-DNA position 500, G replaced by A.
Protein change: p.Arg167Gln; replaces arginine 167 with glutamine.
Molecular consequence: missense variant. On other transcripts: non-coding transcript variant (1), intron variant (1).
Genome position (GRCh38, 1-based): chr6:13,316,590, C>T on the plus strand (G>A on the coding strand, the complement: TBC1D7 is on the minus strand). VCF-style: chr6-13316590-C-T. GRCh37 (hg19) VCF-style: chr6-13316822-C-T.
Other names: c.500G>A, p.Arg167Gln (NM_001318809.2, NM_001143964.4, NM_001143965.4 and 1 more transcripts); c.419G>A, p.Arg140Gln (NM_001143966.4); c.381+4318G>A (NM_001258457.3); short protein forms R140Q, R167Q.
Identifiers: ClinVar variation 1450295 (VCV001450295.3), dbSNP rs761443203, ClinGen allele CA3639730.

ClinVar aggregate classification (germline): Uncertain significance (1 of 4 stars; one submission).

Allele frequency attached by ClinVar (database versions not stated): gnomAD 0.00005; gnomAD exomes 0.00007 and 0.00018; ExAC 0.00016.
gnomAD v4.1: 110 of 1,612,200 alleles (0.0068%); highest among the groups gnomAD compares: Admixed American, 0.079%; no homozygotes.

Submission:

Labcorp Genetics (formerly Invitae), Labcorp
Classification: Uncertain significance. Last evaluated: 2022-07-06. Review status: criteria provided, single submitter. Criteria: Invitae Variant Classification Sherloc (09022015). Collection method: clinical testing. Allele origin: germline.
Comment: This sequence change replaces arginine, which is basic and polar, with glutamine, which is neutral and polar, at codon 167 of the TBC1D7 protein (p.Arg167Gln). This variant is present in population databases (rs761443203, gnomAD 0.1%). This variant has not been reported in the literature in individuals affected with TBC1D7-related conditions. ClinVar contains an entry for this variant (Variation ID: 1450295). Algorithms developed to predict the effect of missense changes on protein structure and function output the following: SIFT: "Tolerated"; PolyPhen-2: "Benign"; Align-GVGD: "Class C0". The glutamine amino acid residue is found in multiple mammalian species, which suggests that this missense change does not adversely affect protein function. In summary, the available evidence is currently insufficient to determine the role of this variant in disease. Therefore, it has been classified as a Variant of Uncertain Significance.